The following is an entry in ClinVar:

ClinVar aggregate classification (germline): Likely pathogenic (1 of 4 stars; one submission).

Conditions:
Deficiency of alpha-mannosidase (MANSA). Also called: Mannosidosis, alpha-, types I and II; LYSOSOMAL ALPHA-D-MANNOSIDASE DEFICIENCY; Alpha-Mannosidosis. Identifiers: Orphanet 61, MedGen C0024748, MONDO:0009561, OMIM 248500.

Submission:

Labcorp Genetics (formerly Invitae), Labcorp
Classification: Likely pathogenic for Deficiency of alpha-mannosidase. Last evaluated: 2022-08-09. Review status: criteria provided, single submitter. Criteria: Invitae Variant Classification Sherloc (09022015). Collection method: clinical testing. Allele origin: germline.
Comment: In summary, the currently available evidence indicates that the variant is pathogenic, but additional data are needed to prove that conclusively. Therefore, this variant has been classified as Likely Pathogenic. Algorithms developed to predict the effect of sequence changes on RNA splicing suggest that this variant may disrupt the consensus splice site. ClinVar contains an entry for this variant (Variation ID: 649866). This variant has not been reported in the literature in individuals affected with MAN2B1-related conditions. This variant is not present in population databases (gnomAD no frequency). This sequence change affects an acceptor splice site in intron 8 of the MAN2B1 gene. It is expected to disrupt RNA splicing. Variants that disrupt the donor or acceptor splice site typically lead to a loss of protein function (PMID: 16199547), and loss-of-function variants in MAN2B1 are known to be pathogenic (PMID: 9915946, 22161967).

Literature cited by the submitters: PubMed 16199547; PubMed 9915946; PubMed 22161967.

NM_000528.4(MAN2B1):c.1110-1G>T

Gene: MAN2B1 (mannosidase alpha class 2B member 1; minus strand). Cytogenetic location: 19p13.13.
Variant type: single nucleotide variant.
Coding change: c.1110-1G>T on transcript NM_000528.4 (MANE Select); the canonical splice acceptor site of the intron before coding-DNA position 1110, G replaced by T.
Molecular consequence: splice acceptor variant.
Genome position (GRCh38, 1-based): chr19:12,658,345, C>A on the plus strand (G>T on the coding strand, the complement: MAN2B1 is on the minus strand). VCF-style: chr19-12658345-C-A. GRCh37 (hg19) VCF-style: chr19-12769159-C-A.
Other names: c.1107-1G>T (NM_001173498.2).
Identifiers: ClinVar variation 649866 (VCV000649866.7), dbSNP rs1599352199, ClinGen allele CA404248438.
Genomic context (GRCh38, chr19:12,658,345, plus strand): 5'-CCGGTCCAGAACTGGTGGGGGCCATCCGCGTAAGGGAAGAAGTCGTCATGTTTCACTGAC[C>A]TACAGCGGCAGGGGCATTGAGGGCAGGGTCATGACCCACGGGGCATGCCAACCCCCCCAA-3'